The following is an entry in ClinVar:

NM_006005.3(WFS1):c.1350T>C (p.His450=)

Gene: WFS1 (wolframin ER transmembrane glycoprotein; plus strand). Cytogenetic location: 4p16.1.
Variant type: single nucleotide variant.
Coding change: c.1350T>C on transcript NM_006005.3 (MANE Select); coding-DNA position 1350, T replaced by C.
Protein change: p.His450=; no amino-acid change (histidine 450 retained).
Molecular consequence: synonymous variant.
Genome position (GRCh38, 1-based): chr4:6,301,145, T>C. VCF-style: chr4-6301145-T-C. GRCh37 (hg19) VCF-style: chr4-6302872-T-C.
Other names: c.1350T>C, p.His450= (NM_001145853.1).
Identifiers: ClinVar variation 381861 (VCV000381861.2), dbSNP rs1057521190, ClinGen allele CA16604717.

ClinVar aggregate classification (germline): Benign/Likely benign. Review status: criteria provided, multiple submitters, no conflicts (2 of 4 stars). 2 submissions from 2 submitters: Benign (1); Likely benign (1). Last evaluated 2016-01-23.

Conditions:
Wolfram syndrome 1 (WFS1). Identifiers: Orphanet 3463, MedGen C4551693, MONDO:0009101, OMIM 222300.

Allele frequency attached by ClinVar (database versions not stated): gnomAD exomes below 0.00001.
gnomAD v4.1: 3 of 1,613,146 alleles (0.00019%); highest among the groups gnomAD compares: Admixed American, 0.0017%; no homozygotes.

Submissions (2):

GeneDx
Classification: Likely benign. Last evaluated: 2016-01-23. Review status: criteria provided, single submitter. Criteria: GeneDx Variant Classification (06012015). Collection method: clinical testing. Allele origin: germline. Affected: yes.
Comment: This variant is considered likely benign or benign based on one or more of the following criteria: it is a conservative change, it occurs at a poorly conserved position in the protein, it is predicted to be benign by multiple in silico algorithms, and/or has population frequency not consistent with disease.

Clinical Genomics, Uppaluri K&H Personalized Medicine Clinic
Classification: Benign for Wolfram syndrome 1. Review status: criteria provided, single submitter. Criteria: K & H Uppaluri Personalized Medicine Clinic Variant Classification & Assertion Criteria_Updated V.1. Collection method: research. Allele origin: unknown. Inheritance: Autosomal recessive inheritance.
Comment: Potent mutations in WFS1 gene are associated with Wolfram's syndrome, an autosomal recessive condition, which cause diabetes mellitus, diabetes insipidus, deafness and optic atrophy. However no sufficient evidence is found to ascertain the role of this particular variant rs1057521190 in Wolfram's syndrome yet.

Literature cited by the submitters: PubMed 20738327 (cited by Clinical Genomics, Uppaluri K&H Personalized Medicine Clinic); PubMed 33879153 (cited by Clinical Genomics, Uppaluri K&H Personalized Medicine Clinic); PubMed 12955714 (cited by Clinical Genomics, Uppaluri K&H Personalized Medicine Clinic); PubMed 18060660 (cited by Clinical Genomics, Uppaluri K&H Personalized Medicine Clinic); PubMed 20301750 (cited by Clinical Genomics, Uppaluri K&H Personalized Medicine Clinic); PubMed 17603484 (cited by Clinical Genomics, Uppaluri K&H Personalized Medicine Clinic).